The following is an entry in ClinVar:

NM_000245.4(MET):c.828A>G (p.Thr276=)

Gene: MET (MET proto-oncogene, receptor tyrosine kinase; plus strand). Cytogenetic location: 7q31.2.
Variant type: single nucleotide variant.
Coding change: c.828A>G on transcript NM_000245.4 (MANE Select); coding-DNA position 828, A replaced by G.
Protein change: p.Thr276=; no amino-acid change (threonine 276 retained).
Molecular consequence: synonymous variant. On other transcripts: intron variant (1).
Genome position (GRCh38, 1-based): chr7:116,699,912, A>G. VCF-style: chr7-116699912-A-G. GRCh37 (hg19) VCF-style: chr7-116339966-A-G.
Other names: c.828A>G, p.Thr276= (NM_001127500.3, NM_001324401.3); c.-91+27335A>G (NM_001324402.2).
Identifiers: ClinVar variation 485754 (VCV000485754.14), dbSNP rs779512046, ClinGen allele CA4448037.

ClinVar aggregate classification (germline): Benign/Likely benign. Review status: criteria provided, multiple submitters, no conflicts (2 of 4 stars). 3 submissions from 3 submitters: Benign (1); Likely benign (2). Last evaluated 2026-02-04.

Conditions:
Renal cell carcinoma. Identifiers: Orphanet 217071, MedGen C0007134, MeSH D002292, MONDO:0005086, HP:0005584.
Papillary renal cell carcinoma type 1 (RCCP1). Also called: RENAL CELL CARCINOMA, PAPILLARY, 1, SOMATIC; Renal adenocarcinoma; Renal cell carcinoma 1; Renal cell carcinoma, somatic. Identifiers: Orphanet 47044, MedGen C1336839, OMIM 605074, HP:0011797.
Hereditary cancer-predisposing syndrome. Also called: Tumor predisposition; Hereditary Cancer Syndrome; Hereditary neoplastic syndrome; Neoplastic Syndromes, Hereditary. Identifiers: Orphanet 140162, MedGen C0027672, MeSH D009386, MONDO:0015356.

Allele frequency attached by ClinVar (database versions not stated): gnomAD exomes below 0.00001 and 0.00001; ExAC 0.00001; gnomAD 0.00001; TOPMed 0.00001.

Submissions (3):

Labcorp Genetics (formerly Invitae), Labcorp
Classification: Likely benign for Renal cell carcinoma. Last evaluated: 2026-02-04. Review status: criteria provided, single submitter. Criteria: Invitae Variant Classification Sherloc (09022015). Collection method: clinical testing. Allele origin: germline.

Myriad Genetics, Inc.
Classification: Benign for Papillary renal cell carcinoma type 1. Last evaluated: 2024-11-06. Review status: criteria provided, single submitter. Criteria: Myriad Autosomal Dominant, Autosomal Recessive and X-Linked Classification Criteria (2023). Collection method: clinical testing. Allele origin: unknown.
Comment: This variant is considered benign. This variant is a silent/synonymous amino acid change and it is not expected to impact splicing.

Ambry Genetics
Classification: Likely benign for Hereditary cancer-predisposing syndrome. Last evaluated: 2016-03-22. Review status: criteria provided, single submitter. Criteria: Ambry Variant Classification Scheme 2023. Collection method: clinical testing. Allele origin: germline.